The following is an entry in ClinVar:

ClinVar aggregate classification (germline): Uncertain significance (1 of 4 stars; one submission).

Conditions:
Tatton-Brown-Rahman overgrowth syndrome. Also called: Tall stature-intellectual disability-facial dysmorphism syndrome; Tatton-Brown-Rahman syndrome. Identifiers: Orphanet 404443, MedGen C4014545, MONDO:0014382, OMIM 615879.

Submission:

Labcorp Genetics (formerly Invitae), Labcorp
Classification: Uncertain significance for Tatton-Brown-Rahman overgrowth syndrome. Last evaluated: 2025-08-11. Review status: criteria provided, single submitter. Criteria: Invitae Variant Classification Sherloc (09022015). Collection method: clinical testing. Allele origin: germline.
Comment: This sequence change replaces aspartic acid, which is acidic and polar, with valine, which is neutral and non-polar, at codon 64 of the DNMT3A protein (p.Asp64Val). This variant is not present in population databases (gnomAD no frequency). This variant has not been reported in the literature in individuals affected with DNMT3A-related conditions. ClinVar contains an entry for this variant (Variation ID: 3720941). Invitae Evidence Modeling of protein sequence and biophysical properties (such as structural, functional, and spatial information, amino acid conservation, physicochemical variation, residue mobility, and thermodynamic stability) indicates that this missense variant is not expected to disrupt DNMT3A protein function with a negative predictive value of 95%. In summary, the available evidence is currently insufficient to determine the role of this variant in disease. Therefore, it has been classified as a Variant of Uncertain Significance.

NM_022552.5(DNMT3A):c.191A>T (p.Asp64Val)

Gene: DNMT3A (DNA methyltransferase 3 alpha; minus strand). Cytogenetic location: 2p23.3.
Variant type: single nucleotide variant.
Coding change: c.191A>T on transcript NM_022552.5 (MANE Select); coding-DNA position 191, A replaced by T.
Protein change: p.Asp64Val; replaces aspartic acid 64 with valine.
Molecular consequence: missense variant. On other transcripts: non-coding transcript variant (1).
Genome position (GRCh38, 1-based): chr2:25,282,698, T>A on the plus strand (A>T on the coding strand, the complement: DNMT3A is on the minus strand). VCF-style: chr2-25282698-T-A. GRCh37 (hg19) VCF-style: chr2-25505567-T-A.
Other names: c.191A>T, p.Asp64Val (NM_001320892.2, NM_175629.2, NM_175630.1); short protein forms D64V.
Identifiers: ClinVar variation 3720941 (VCV003720941.2).